The following is an entry in ClinVar:

NM_001846.4(COL4A2):c.3151C>T (p.Pro1051Ser)

Gene: COL4A2 (collagen type IV alpha 2 chain; plus strand). Cytogenetic location: 13q34.
Variant type: single nucleotide variant.
Coding change: c.3151C>T on transcript NM_001846.4 (MANE Select); coding-DNA position 3151, C replaced by T.
Protein change: p.Pro1051Ser; replaces proline 1051 with serine.
Molecular consequence: missense variant.
Genome position (GRCh38, 1-based): chr13:110,485,780, C>T. VCF-style: chr13-110485780-C-T. GRCh37 (hg19) VCF-style: chr13-111138127-C-T.
Other names: short protein forms P1051S.
Identifiers: ClinVar variation 4771891 (VCV004771891.1).

ClinVar aggregate classification (germline): Uncertain significance (1 of 4 stars; one submission).

Submission:

Labcorp Genetics (formerly Invitae), Labcorp
Classification: Uncertain significance. Last evaluated: 2025-11-05. Review status: criteria provided, single submitter. Criteria: Invitae Variant Classification Sherloc (09022015). Collection method: clinical testing. Allele origin: germline.
Comment: This sequence change replaces proline, which is neutral and non-polar, with serine, which is neutral and polar, at codon 1051 of the COL4A2 protein (p.Pro1051Ser). This variant is not present in population databases (gnomAD no frequency). This variant has not been reported in the literature in individuals affected with COL4A2-related conditions. Invitae Evidence Modeling of protein sequence and biophysical properties (such as structural, functional, and spatial information, amino acid conservation, physicochemical variation, residue mobility, and thermodynamic stability) indicates that this missense variant is not expected to disrupt COL4A2 protein function with a negative predictive value of 95%. In summary, the available evidence is currently insufficient to determine the role of this variant in disease. Therefore, it has been classified as a Variant of Uncertain Significance.